The following is an entry in ClinVar:

ClinVar aggregate classification (germline): Uncertain significance (1 of 4 stars; one submission).

Conditions:
Infantile-onset ascending hereditary spastic paralysis (IAHSP). Also called: Autosomal Recessive Juvenile Amyotrophic Lateral Sclerosis; Infantile-Onset Ascending Hereditary Spastic Paralysis (IAHSP). Identifiers: Orphanet 293168, MedGen C2931441, MONDO:0011797, OMIM 607225. Disease mechanism: loss of function.

Submission:

Labcorp Genetics (formerly Invitae), Labcorp
Classification: Uncertain significance for Infantile-onset ascending hereditary spastic paralysis. Last evaluated: 2018-05-24. Review status: criteria provided, single submitter. Criteria: Invitae Variant Classification Sherloc (09022015). Collection method: clinical testing. Allele origin: germline.
Comment: In summary, the available evidence is currently insufficient to determine the role of this variant in disease. Therefore, it has been classified as a Variant of Uncertain Significance. Nucleotide substitutions within the consensus splice site are a relatively common cause of aberrant splicing (PMID: 17576681, 9536098). Algorithms developed to predict the effect of sequence changes on RNA splicing suggest that this variant may disrupt the consensus splice site, but this prediction has not been confirmed by published transcriptional studies. This variant has not been reported in the literature in individuals with ALS2-related disease. This variant is not present in population databases (ExAC no frequency). This sequence change falls in intron 18 of the ALS2 gene. It does not directly change the encoded amino acid sequence of the ALS2 protein, but it affects a nucleotide within the consensus splice site of the intron.

Literature cited by the submitters: PubMed 17576681; PubMed 9536098.

NM_020919.4(ALS2):c.3183-3C>G

Gene: ALS2 (alsin Rho guanine nucleotide exchange factor ALS2; minus strand). Cytogenetic location: 2q33.1.
Variant type: single nucleotide variant.
Coding change: c.3183-3C>G on transcript NM_020919.4 (MANE Select); 3 bases into the intron before coding-DNA position 3183, C replaced by G.
Molecular consequence: intron variant.
Genome position (GRCh38, 1-based): chr2:201,726,552, G>C on the plus strand (C>G on the coding strand, the complement: ALS2 is on the minus strand). VCF-style: chr2-201726552-G-C. GRCh37 (hg19) VCF-style: chr2-202591275-G-C.
Identifiers: ClinVar variation 571278 (VCV000571278.8), dbSNP rs1559049881, ClinGen allele CA891843404.